The following is an entry in ClinVar:

NM_197968.4(ZMYM2):c.2073T>G (p.His691Gln)

Gene: ZMYM2 (zinc finger MYM-type containing 2; plus strand). Cytogenetic location: 13q12.11.
Variant type: single nucleotide variant.
Coding change: c.2073T>G on transcript NM_197968.4 (MANE Select); coding-DNA position 2073, T replaced by G.
Protein change: p.His691Gln; replaces histidine 691 with glutamine.
Molecular consequence: missense variant. On other transcripts: non-coding transcript variant (1).
Genome position (GRCh38, 1-based): chr13:20,034,358, T>G. VCF-style: chr13-20034358-T-G. GRCh37 (hg19) VCF-style: chr13-20608498-T-G.
Other names: c.2073T>G, p.His691Gln (NM_001190964.4, NM_001190965.4, NM_001353157.2 and 5 more transcripts); c.1878T>G, p.His626Gln (NM_001353161.3); c.1812T>G, p.His604Gln (NM_001353163.2); short protein forms H604Q, H626Q, H691Q.
Identifiers: ClinVar variation 1723738 (VCV001723738.2), dbSNP rs1163003919, ClinGen allele CA387456936.
Genomic context (GRCh38, chr13:20,034,358, plus strand): 5'-TAAGAAGTTGCATTGCATAGTTACATATTGCGAATACTGTCAAGAGGAGAAGACTCTTCA[T>G]GAAACAGTAAATTTCTCTGGCGTTAAGAGACCTTTCTGTAGTGAAGGCAAGTTGCATATA-3'
Protein context (NP_932072.1, residues 681-701): CEYCQEEKTL[His691Gln]ETVNFSGVKR

ClinVar aggregate classification (germline): Uncertain significance (1 of 4 stars; one submission).

Submission:

GeneDx
Classification: Uncertain significance. Last evaluated: 2022-05-13. Review status: criteria provided, single submitter. Criteria: GeneDx Variant Classification Process June 2021. Collection method: clinical testing. Allele origin: germline. Affected: yes.
Comment: Not observed at significant frequency in large population cohorts (gnomAD); In silico analysis supports that this missense variant has a deleterious effect on protein structure/function; Has not been previously published as pathogenic or benign to our knowledge